The following is an entry in ClinVar:

NM_015459.5(ATL3):c.851-2A>C

Genes: ATL3 (atlastin GTPase 3; minus strand), LNCROPM (lncRNA regulator of PLAAT3 mediated phospholipid metabolism; plus strand). Cytogenetic location: 11q13.1.
Variant type: single nucleotide variant.
Coding change: c.851-2A>C on transcript NM_015459.5 (MANE Select); the canonical splice acceptor site of the intron before coding-DNA position 851, A replaced by C.
Molecular consequence: splice acceptor variant.
Genome position (GRCh38, 1-based): chr11:63,636,336, T>G on the plus strand (A>C on the coding strand, the complement: ATL3 is on the minus strand). VCF-style: chr11-63636336-T-G. GRCh37 (hg19) VCF-style: chr11-63403808-T-G.
Other names: c.797-2A>C (NM_001290048.2).
Identifiers: ClinVar variation 1993957 (VCV001993957.4), dbSNP rs2495636534, ClinGen allele CA381027080.

ClinVar aggregate classification (germline): Uncertain significance (1 of 4 stars; one submission).

Conditions:
Neuropathy, hereditary sensory, type 1F. Also called: Hereditary sensory neuropathy type IF; HSN IF. Identifiers: Orphanet 36386, MedGen C3810194, MONDO:0014286, OMIM 615632.

Submission:

Labcorp Genetics (formerly Invitae), Labcorp
Classification: Uncertain significance for Neuropathy, hereditary sensory, type 1F. Last evaluated: 2022-05-13. Review status: criteria provided, single submitter. Criteria: Invitae Variant Classification Sherloc (09022015). Collection method: clinical testing. Allele origin: germline.
Comment: This variant is not present in population databases (gnomAD no frequency). In summary, the available evidence is currently insufficient to determine the role of this variant in disease. Therefore, it has been classified as a Variant of Uncertain Significance. Algorithms developed to predict the effect of sequence changes on RNA splicing suggest that this variant may disrupt the consensus splice site. This variant has not been reported in the literature in individuals affected with ATL3-related conditions. This sequence change affects an acceptor splice site in intron 8 of the ATL3 gene. It is expected to disrupt RNA splicing. Variants that disrupt the donor or acceptor splice site typically lead to a loss of protein function (PMID: 16199547), however the current clinical and genetic evidence is not sufficient to establish whether loss-of-function variants in ATL3 cause disease.

Literature cited by the submitters: PubMed 16199547.